The following is an entry in ClinVar:

ClinVar aggregate classification (germline): Uncertain significance (1 of 4 stars; one submission).

Conditions:
Aicardi-Goutieres syndrome 2. Identifiers: Orphanet 51, MedGen C3489724, MONDO:0012429, OMIM 610181.

Submission:

Labcorp Genetics (formerly Invitae), Labcorp
Classification: Uncertain significance for Aicardi-Goutieres syndrome 2. Last evaluated: 2021-08-28. Review status: criteria provided, single submitter. Criteria: Invitae Variant Classification Sherloc (09022015). Collection method: clinical testing. Allele origin: germline.
Comment: This sequence change replaces threonine with proline at codon 280 of the RNASEH2B protein (p.Thr280Pro). The threonine residue is highly conserved and there is a small physicochemical difference between threonine and proline. This variant is not present in population databases (ExAC no frequency). This variant has not been reported in the literature in individuals affected with RNASEH2B-related conditions. Algorithms developed to predict the effect of missense changes on protein structure and function are either unavailable or do not agree on the potential impact of this missense change (SIFT: "Deleterious"; PolyPhen-2: "Probably Damaging"; Align-GVGD: "Class C0"). In summary, the available evidence is currently insufficient to determine the role of this variant in disease. Therefore, it has been classified as a Variant of Uncertain Significance.

NM_024570.4(RNASEH2B):c.838A>C (p.Thr280Pro)

Gene: RNASEH2B (ribonuclease H2 subunit B; plus strand). Cytogenetic location: 13q14.3.
Variant type: single nucleotide variant.
Coding change: c.838A>C on transcript NM_024570.4 (MANE Select); coding-DNA position 838, A replaced by C.
Protein change: p.Thr280Pro; replaces threonine 280 with proline.
Molecular consequence: missense variant. On other transcripts: intron variant (1).
Genome position (GRCh38, 1-based): chr13:50,956,373, A>C. VCF-style: chr13-50956373-A-C. GRCh37 (hg19) VCF-style: chr13-51530509-A-C.
Other names: c.741+6868A>C (NM_001142279.2); short protein forms T280P.
Identifiers: ClinVar variation 1468291 (VCV001468291.5), dbSNP rs2138027194, ClinGen allele CA388260304.
Genomic context (GRCh38, chr13:50,956,373, plus strand): 5'-AATGTTACATTCATAACAATTTTTCTCTCTTATTTTCATTAACAGAAAAATAGCAAAATG[A>C]CTGCAGCTCAGAAGGCTTTGGCTAAAGTTGACAAGAGTGGAATGAAAAGTATTGATACCT-3'
Protein context (NP_078846.2, residues 270-290): LKTEKKNSKM[Thr280Pro]AAQKALAKVD